The following is an entry in ClinVar:

NM_012082.4(ZFPM2):c.477T>A (p.Asp159Glu)

Gene: ZFPM2 (zinc finger protein, FOG family member 2; plus strand). Cytogenetic location: 8q23.1.
Variant type: single nucleotide variant.
Coding change: c.477T>A on transcript NM_012082.4 (MANE Select); coding-DNA position 477, T replaced by A.
Protein change: p.Asp159Glu; replaces aspartic acid 159 with glutamic acid.
Molecular consequence: missense variant.
Genome position (GRCh38, 1-based): chr8:105,634,302, T>A. VCF-style: chr8-105634302-T-A. GRCh37 (hg19) VCF-style: chr8-106646530-T-A.
Other names: c.318T>A, p.Asp106Glu (NM_001362836.2); c.81T>A, p.Asp27Glu (NM_001362837.2); short protein forms D106E, D159E, D27E.
Identifiers: ClinVar variation 2789780 (VCV002789780.3), dbSNP rs2536997524, ClinGen allele CA372026530.

ClinVar aggregate classification (germline): Uncertain significance (1 of 4 stars; one submission).

Conditions:
46,XY sex reversal 9 (SRXY9). Also called: 46,XY SEX REVERSAL, ZFPM2-RELATED. Identifiers: Orphanet 251510, MedGen C4015129, MONDO:0014480, OMIM 616067.

Submission:

Labcorp Genetics (formerly Invitae), Labcorp
Classification: Uncertain significance for 46,XY sex reversal 9. Last evaluated: 2025-01-23. Review status: criteria provided, single submitter. Criteria: Invitae Variant Classification Sherloc (09022015). Collection method: clinical testing. Allele origin: germline.
Comment: This sequence change replaces aspartic acid, which is acidic and polar, with glutamic acid, which is acidic and polar, at codon 159 of the ZFPM2 protein (p.Asp159Glu). This variant is not present in population databases (gnomAD no frequency). This variant has not been reported in the literature in individuals affected with ZFPM2-related conditions. ClinVar contains an entry for this variant (Variation ID: 2789780). An algorithm developed to predict the effect of missense changes on protein structure and function (PolyPhen-2) suggests that this variant is likely to be disruptive. In summary, the available evidence is currently insufficient to determine the role of this variant in disease. Therefore, it has been classified as a Variant of Uncertain Significance.